The following is an entry in ClinVar:

NM_001384125.1(BLTP1):c.15267C>T (p.Asp5089=)

Gene: BLTP1 (bridge-like lipid transfer protein family member 1; plus strand). Cytogenetic location: 4q27.
Variant type: single nucleotide variant.
Coding change: c.15267C>T on transcript NM_001384125.1 (MANE Select); coding-DNA position 15267, C replaced by T.
Protein change: p.Asp5089=; no amino-acid change (aspartic acid 5089 retained).
Molecular consequence: synonymous variant.
Genome position (GRCh38, 1-based): chr4:122,362,232, C>T. VCF-style: chr4-122362232-C-T. GRCh37 (hg19) VCF-style: chr4-123283387-C-T.
Other names: c.15003C>T, p.Asp5001= (NM_015312.4).
Identifiers: ClinVar variation 3034170 (VCV003034170.2), dbSNP rs748368328, ClinGen allele CA3068504.
Genomic context (GRCh38, chr4:122,362,232, plus strand): 5'-AGTTCTTATCAAAAAGCTCGGTACTGCACTACAGGATGAAAAGGAAAAGAAAGGCAAAGA[C>T]AAAGAAGAACACTAAAAAAGTAATTTGATCTGTGAACAAATTATGATTGTGTCTGTTTTA-3'
Protein context (NP_001371054.1, residues 5079-5093): LQDEKEKKGK[Asp5089=]KEEH

ClinVar aggregate classification (germline): Likely benign (0 of 4 stars; one submission).

Conditions:
BLTP1-related disorder. Also called: BLTP1-related condition.

Allele frequency attached by ClinVar (database versions not stated): gnomAD 0.00001; TOPMed 0.00002.
gnomAD v4.1: 30 of 1,611,868 alleles (0.0019%); highest among the groups gnomAD compares: Admixed American, 0.037%; no homozygotes.

Submission:

PreventionGenetics, part of Exact Sciences
Classification: Likely benign for BLTP1-related condition. Last evaluated: 2019-06-11. Review status: no assertion criteria provided. Collection method: clinical testing. Allele origin: germline.
Comment: This variant is classified as likely benign based on ACMG/AMP sequence variant interpretation guidelines (Richards et al. 2015 PMID: 25741868, with internal and published modifications).